The following is an entry in ClinVar:

NM_017849.4(TMEM127):c.409+4A>G

Gene: TMEM127 (transmembrane protein 127; minus strand). Cytogenetic location: 2q11.2.
Variant type: single nucleotide variant.
Coding change: c.409+4A>G on transcript NM_017849.4 (MANE Select); 4 bases into the intron after coding-DNA position 409, A replaced by G.
Molecular consequence: intron variant.
Genome position (GRCh38, 1-based): chr2:96,254,829, T>C on the plus strand (A>G on the coding strand, the complement: TMEM127 is on the minus strand). VCF-style: chr2-96254829-T-C. GRCh37 (hg19) VCF-style: chr2-96920567-T-C.
Other names: c.157+4A>G (NM_001407283.1, NM_001407282.1); c.409+4A>G (NM_001193304.3).
Identifiers: ClinVar variation 3653456 (VCV003653456.2).

ClinVar aggregate classification (germline): Uncertain significance (1 of 4 stars; one submission).

Conditions:
Hereditary pheochromocytoma and paraganglioma. Also called: Hereditary paragangliomas and pheochromocytomas; Hereditary Paraganglioma-Pheochromocytoma Syndromes; Hereditary pheochromocytoma-paraganglioma. Identifiers: Orphanet 29072, MedGen C4274332, MONDO:0017366.

Submission:

Labcorp Genetics (formerly Invitae), Labcorp
Classification: Uncertain significance for Hereditary pheochromocytoma and paraganglioma. Last evaluated: 2024-05-15. Review status: criteria provided, single submitter. Criteria: Invitae Variant Classification Sherloc (09022015). Collection method: clinical testing. Allele origin: germline.
Comment: This sequence change falls in intron 3 of the TMEM127 gene. It does not directly change the encoded amino acid sequence of the TMEM127 protein. It affects a nucleotide within the consensus splice site. This variant is not present in population databases (gnomAD no frequency). This variant has not been reported in the literature in individuals affected with TMEM127-related conditions. Variants that disrupt the consensus splice site are a relatively common cause of aberrant splicing (PMID: 17576681, 9536098). Algorithms developed to predict the effect of sequence changes on RNA splicing suggest that this variant is not likely to affect RNA splicing. In summary, the available evidence is currently insufficient to determine the role of this variant in disease. Therefore, it has been classified as a Variant of Uncertain Significance.

Literature cited by the submitters: PubMed 17576681; PubMed 9536098.